The following is an entry in ClinVar:

ClinVar aggregate classification (germline): Conflicting classifications of pathogenicity. Review status: criteria provided, conflicting classifications (1 of 4 stars). 6 submissions from 6 submitters: Uncertain significance (2); Benign (1); Likely benign (2). 1 of the submissions does not count toward it. Last evaluated 2026-05-31.

Conditions:
Retinal dystrophy. Also called: Inherited retinal dystrophy. Identifiers: Orphanet 71862, MedGen C0854723, MeSH D058499, MONDO:0019118, HP:0000556.
PRPH2-related disorder. Also called: PRPH2-related condition; PRPH2-related disorders. Identifiers: MedGen CN239395.

Allele frequency attached by ClinVar (database versions not stated): gnomAD exomes 0.00002 and 0.00007; ExAC 0.00005; gnomAD 0.00017 and 0.00018; TOPMed 0.00019.
gnomAD v4.1: 54 of 1,613,280 alleles (0.0033%); highest among the groups gnomAD compares: African/African-American, 0.031%; no homozygotes.

Submissions (6):

PreventionGenetics, part of Exact Sciences
Classification: Uncertain significance for PRPH2-related condition. Last evaluated: 2026-05-31. Review status: criteria provided, single submitter. Criteria: ACMG Guidelines, 2015. Collection method: clinical testing. Allele origin: germline.
Comment: The PRPH2 c.1015G>A variant is predicted to result in the amino acid substitution p.Ala339Thr. To our knowledge, this variant has not been reported in the literature. This variant is present in 0.045% of alleles in individuals of African descent in gnomAD, which is likely too common to be an unreported cause of disease. Although we suspect that this variant may be benign, at this time, the clinical significance of this variant is uncertain due to the absence of conclusive functional and genetic evidence.

Labcorp Genetics (formerly Invitae), Labcorp
Classification: Likely benign for PRPH2-related disorder. Last evaluated: 2024-11-04. Review status: criteria provided, single submitter. Criteria: Invitae Variant Classification Sherloc (09022015). Collection method: clinical testing. Allele origin: germline.

Dept Of Ophthalmology, Nagoya University
Classification: Benign for Retinal dystrophy. Last evaluated: 2023-10-01. Review status: criteria provided, single submitter. Criteria: Submitter's publication. Collection method: research. Allele origin: germline. Affected: yes.

Blueprint Genetics
Classification: Likely benign. Last evaluated: 2023-08-11. Review status: criteria provided, single submitter. Criteria: ACMG Guidelines, 2015. Collection method: clinical testing. Allele origin: germline.

Breakthrough Genomics
Classification: Uncertain significance. Review status: criteria provided, single submitter. Criteria: ACMG Guidelines, 2015. Collection method: not provided. Allele origin: germline. Inheritance: Autosomal recessive inheritance. Affected: yes.

Leiden Open Variation Database
Classification: Uncertain significance. Last evaluated: 2019-07-24. Review status: no assertion criteria provided. Collection method: curation. Allele origin: germline. Affected: yes. Not counted in ClinVar's aggregate classification.
Comment: Curator: Global Variome, with Curator vacancy. Submitter to LOVD: Yoshito Koyanagi.

Literature cited by the submitters: PubMed 31213501 (cited by Leiden Open Variation Database).

NM_000322.5(PRPH2):c.1015G>A (p.Ala339Thr)

Gene: PRPH2 (peripherin 2; minus strand). Cytogenetic location: 6p21.1.
Variant type: single nucleotide variant.
Coding change: c.1015G>A on transcript NM_000322.5 (MANE Select); coding-DNA position 1015, G replaced by A.
Protein change: p.Ala339Thr; replaces alanine 339 with threonine.
Molecular consequence: missense variant.
Genome position (GRCh38, 1-based): chr6:42,698,321, C>T on the plus strand (G>A on the coding strand, the complement: PRPH2 is on the minus strand). VCF-style: chr6-42698321-C-T. GRCh37 (hg19) VCF-style: chr6-42666059-C-T.
Other names: short protein forms A339T.
Identifiers: ClinVar variation 955583 (VCV000955583.12), dbSNP rs760687443, ClinGen allele CA3808458.